The following is an entry in ClinVar:

ClinVar aggregate classification (germline): Likely benign. Review status: criteria provided, multiple submitters, no conflicts (2 of 4 stars). 5 submissions from 5 submitters: Likely benign (4). 1 of the submissions does not count toward it. Last evaluated 2026-01-26.

Conditions:
Inborn genetic diseases. Identifiers: MedGen C0950123, MeSH D030342.
PRF1-related disorder. Also called: PRF1-related condition.
Autoinflammatory syndrome. Identifiers: Orphanet 93665, MedGen C3890737, MONDO:0019751.
Familial hemophagocytic lymphohistiocytosis 2 (FHL2). Also called: PRF1-Related Familial Hemophagocytic Lymphohistiocytosis (PRF1-fHLH). Identifiers: Orphanet 540, MedGen C1863727, MONDO:0011337, OMIM 603553.

Allele frequency attached by ClinVar (database versions not stated): ESP Exome Variant Server 0.00015; gnomAD 0.00016 and 0.00038; TOPMed 0.00016; gnomAD exomes 0.00122; ExAC 0.00132; 1000 Genomes Project 30x 0.00187; 1000 Genomes Project 0.00220.
gnomAD v4.1: 938 of 1,614,202 alleles (0.058%); highest among the groups gnomAD compares: South Asian, 0.92%; 14 homozygotes.

Submissions (5):

Labcorp Genetics (formerly Invitae), Labcorp
Classification: Likely benign for Familial hemophagocytic lymphohistiocytosis 2. Last evaluated: 2026-01-26. Review status: criteria provided, single submitter. Criteria: Invitae Variant Classification Sherloc (09022015). Collection method: clinical testing. Allele origin: germline.

Genome Diagnostics Laboratory, The Hospital for Sick Children
Classification: Likely benign for Autoinflammatory syndrome. Last evaluated: 2022-04-01. Review status: criteria provided, single submitter. Criteria: ACMG Guidelines, 2015. Collection method: clinical testing. Allele origin: germline. Affected: yes.

Ambry Genetics
Classification: Likely benign for Inborn genetic diseases. Last evaluated: 2021-12-13. Review status: criteria provided, single submitter. Criteria: Ambry Variant Classification Scheme 2023. Collection method: clinical testing. Allele origin: germline.

Illumina Laboratory Services, Illumina
Classification: Likely benign for Familial hemophagocytic lymphohistiocytosis 2. Last evaluated: 2017-04-27. Review status: criteria provided, single submitter. Criteria: ICSL Variant Classification Criteria 13 December 2019. Collection method: clinical testing. Allele origin: germline.
Comment: This variant was observed as part of a predisposition screen in an ostensibly healthy population. A literature search was performed for the gene, cDNA change, and amino acid change (where applicable). No publications were found based on this search. Allele frequency data from public databases allowed determination this variant is unlikely to cause disease. Therefore, this variant is classified as likely benign.

PreventionGenetics, part of Exact Sciences
Classification: Benign for PRF1-related condition. Last evaluated: 2020-07-11. Review status: no assertion criteria provided. Collection method: clinical testing. Allele origin: germline. Not counted in ClinVar's aggregate classification.
Comment: This variant is classified as benign based on ACMG/AMP sequence variant interpretation guidelines (Richards et al. 2015 PMID: 25741868, with internal and published modifications).

NM_001083116.3(PRF1):c.1357G>A (p.Val453Met)

Gene: PRF1 (perforin 1; minus strand). Cytogenetic location: 10q22.1.
Variant type: single nucleotide variant.
Coding change: c.1357G>A on transcript NM_001083116.3 (MANE Select); coding-DNA position 1357, G replaced by A.
Protein change: p.Val453Met; replaces valine 453 with methionine.
Molecular consequence: missense variant.
Genome position (GRCh38, 1-based): chr10:70,598,364, C>T on the plus strand (G>A on the coding strand, the complement: PRF1 is on the minus strand). VCF-style: chr10-70598364-C-T. GRCh37 (hg19) VCF-style: chr10-72358120-C-T.
Other names: c.1357G>A, p.Val453Met (NM_005041.6); short protein forms V453M.
Identifiers: ClinVar variation 709441 (VCV000709441.20), dbSNP rs141864315, ClinGen allele CA5538762.
Genomic context (GRCh38, chr10:70,598,364, plus strand): 5'-CCAGGAGCACATCCCCAAAATCCAGCCGCACTGACCAGATGGGGTTGTTATTGTCCCACA[C>T]GGTGCTCGTCCTCAGCTCCTGGCCACCAAAGAAGAGCTTCACATAGGCATCCGTGGCAGT-3'
Protein context (NP_001076585.1, residues 443-463): FGGQELRTST[Val453Met]WDNNNPIWSV